The following is an entry in ClinVar:

NM_000540.3(RYR1):c.6052G>C (p.Glu2018Gln)

Gene: RYR1 (ryanodine receptor 1; plus strand). Cytogenetic location: 19q13.2.
Variant type: single nucleotide variant.
Coding change: c.6052G>C on transcript NM_000540.3 (MANE Select); coding-DNA position 6052, G replaced by C.
Protein change: p.Glu2018Gln; replaces glutamic acid 2018 with glutamine.
Molecular consequence: missense variant.
Genome position (GRCh38, 1-based): chr19:38,490,657, G>C. VCF-style: chr19-38490657-G-C. GRCh37 (hg19) VCF-style: chr19-38981297-G-C.
Other names: c.6052G>C, p.Glu2018Gln (NM_001042723.2); short protein forms E2018Q.
Identifiers: ClinVar variation 252489 (VCV000252489.3), dbSNP rs879255343, ClinGen allele CA081926.

ClinVar aggregate classification (germline): Uncertain significance. Review status: criteria provided, multiple submitters, no conflicts (2 of 4 stars). 2 submissions from 2 submitters: Uncertain significance (2). Last evaluated 2024-03-24.

Conditions:
Malignant hypothermia.
Malignant hyperthermia, susceptibility to, 1 (MHS1). Also called: RYR1-Related Malignant Hyperthermia Susceptibility; Anesthesia related hyperthermia; Malignant hyperpyrexia; Fulminating hyperpyrexia; Pharmacogenic myopathy; Malignant hyperthermia suceptibility 1. Identifiers: Orphanet 423, MedGen C2930980, MONDO:0007783, OMIM 145600.

gnomAD v4.1: 2 of 1,613,296 alleles (0.00012%); no homozygotes.

Submissions (2):

All of Us Research Program, National Institutes of Health
Classification: Uncertain significance for Malignant hyperthermia, susceptibility to, 1. Last evaluated: 2024-03-24. Review status: criteria provided, single submitter. Criteria: ACMG Guidelines, 2015. Collection method: clinical testing. Allele origin: germline. Inheritance: Autosomal dominant inheritance. Observed: 1 variant allele, 1 heterozygote.
Comment: This missense variant replaces glutamic acid with glutamine at codon 2018 of the RYR1 protein. Computational prediction suggests that this variant may not impact protein structure and function (internally defined REVEL score threshold <= 0.5, PMID: 27666373). To our knowledge, functional studies have not been reported for this variant. This variant has not been reported in individuals affected with RYR1-related disorders in the literature. This variant has not been identified in the general population by the Genome Aggregation Database (gnomAD). The available evidence is insufficient to determine the role of this variant in disease conclusively. Therefore, this variant is classified as a Variant of Uncertain Significance.

This study involves interpretation of variants in research participants for the purpose of population health screening. Participant phenotype was not available at the time of variant classification. Additional details can be found in publication PMID: 35346344, PMCID: PMC8962531

Genomic Diagnostic Laboratory, Division of Genomic Diagnostics, Children's Hospital of Philadelphia
Classification: Uncertain significance for Malignant hypothermia. Last evaluated: 2015-07-30. Review status: criteria provided, single submitter. Criteria: DGD Variant Analysis Guidelines. Collection method: clinical testing. Allele origin: unknown.